The following is an entry in ClinVar:

NM_000090.4(COL3A1):c.1241G>T (p.Gly414Val)

Gene: COL3A1 (collagen type III alpha 1 chain; plus strand). Cytogenetic location: 2q32.2.
Variant type: single nucleotide variant.
Coding change: c.1241G>T on transcript NM_000090.4 (MANE Select); coding-DNA position 1241, G replaced by T.
Protein change: p.Gly414Val; replaces glycine 414 with valine.
Molecular consequence: missense variant.
Genome position (GRCh38, 1-based): chr2:188,994,280, G>T. VCF-style: chr2-188994280-G-T. GRCh37 (hg19) VCF-style: chr2-189859006-G-T.
Other names: short protein forms G414V.
Identifiers: ClinVar variation 199720 (VCV000199720.10), dbSNP rs794728044, ClinGen allele CA004160.

ClinVar aggregate classification (germline): Likely pathogenic. Review status: criteria provided, multiple submitters, no conflicts (2 of 4 stars). 2 submissions from 2 submitters: Likely pathogenic (2). Last evaluated 2026-06-10.

Conditions:
Familial thoracic aortic aneurysm and aortic dissection (TAAD). Also called: Thoracic aortic aneurysms and dissections. Identifiers: Orphanet 91387, MedGen C4707243, MONDO:0019625.
Ehlers-Danlos syndrome, type 4 (EDSVASC). Also called: Ehlers-Danlos syndrome vascular type; Ehlers Danlos syndrome, ecchymotic type; Ehlers Danlos syndrome, arterial type; Ehlers Danlos syndrome, Sack-Barabas type; Ehlers-Danlos Syndrome Type IV. Identifiers: Orphanet 286, MedGen C0268338, MONDO:0017314, OMIM 130050.

Submissions (2):

Ambry Genetics
Classification: Likely pathogenic for Familial thoracic aortic aneurysm and aortic dissection. Last evaluated: 2026-06-10. Review status: criteria provided, single submitter. Criteria: Ambry Variant Classification Scheme 2023. Collection method: clinical testing. Allele origin: germline.
Comment: The c.1241G>T (p.G414V) alteration is located in exon 18 (coding exon 18) of the COL3A1 gene. This alteration results from a G to T substitution at nucleotide position 1241, causing the glycine (G) at amino acid position 414 to be replaced by a valine (V). This variant was not reported in population-based cohorts in the Genome Aggregation Database (gnomAD). The majority (approximately two-thirds) of COL3A1 variants identified to date have involved the substitution of another amino acid for glycine within the triple-helical domain (Pepin, 2014; Frank, 2015). Internal structural analysis indicates that this alteration disrupts the characteristic G-X-Y motif in the COL3A1 protein and inserts a bulky side chain into a sterically-constrained region (Bella, 1994; Hohenester, 2008; Ambry internal data). Based on the available evidence, this alteration is classified as likely pathogenic.

Labcorp Genetics (formerly Invitae), Labcorp
Classification: Likely pathogenic for Ehlers-Danlos syndrome, type 4. Last evaluated: 2017-05-27. Review status: criteria provided, single submitter. Criteria: Invitae Variant Classification Sherloc (09022015). Collection method: clinical testing. Allele origin: germline.
Comment: In summary, this variant is a rare missense change affecting a residue that is known to be critical for normal protein structure, stability and function. This type of missense change is also highly enriched in affected individuals and expected to be pathogenic. However, without additional functional and/or genetic data, this variant has been classified as Likely Pathogenic. Glycine residues within the Gly-Xaa-Yaa repeats of the triple helix domain are required for the structure and stability of fibrillar collagens (PMID: 7695699, 8218237, 19344236). In COL3A1, missense variants at these glycine residues are significantly enriched in individuals with disease (PMID: 24922459, 25758994) compared to the general population (ExAC). Algorithms developed to predict the effect of missense changes on protein structure and function (SIFT, PolyPhen-2, Align-GVGD) all suggest that this variant is likely to be disruptive, but these predictions have not been confirmed by published functional studies and their clinical significance is uncertain. This variant has been reported in the literature in an individual affected with vascular Ehlers-Danlos syndrome (PMID: 22492385). ClinVar contains an entry for this variant (Variation ID: 199720). This variant is not present in population databases (ExAC no frequency). This sequence change replaces glycine with valine at codon 414 of the COL3A1 protein (p.Gly414Val). The glycine residue is highly conserved and there is a moderate physicochemical difference between glycine and valine.

Literature cited by the submitters: PubMed 7695699 (cited by Ambry Genetics and Labcorp Genetics (formerly Invitae), Labcorp); PubMed 19011090 (cited by Ambry Genetics); PubMed 24922459 (cited by Ambry Genetics and Labcorp Genetics (formerly Invitae), Labcorp); PubMed 25758994 (cited by Ambry Genetics and Labcorp Genetics (formerly Invitae), Labcorp); PubMed 8218237 (cited by Labcorp Genetics (formerly Invitae), Labcorp); PubMed 19344236 (cited by Labcorp Genetics (formerly Invitae), Labcorp); PubMed 22492385 (cited by Labcorp Genetics (formerly Invitae), Labcorp).